The following is an entry in ClinVar:

ClinVar aggregate classification (germline): Likely benign. Review status: criteria provided, multiple submitters, no conflicts (2 of 4 stars). 3 submissions from 3 submitters: Likely benign (3). Last evaluated 2025-02-16.

Conditions:
Eichsfeld type congenital muscular dystrophy (CMYO3). Also called: MYOPATHY, SEPN1-RELATED; Rigid spine muscular dystrophy 1; SELENON-related myopathy; Congenital myopathy 3 with rigid spine. Identifiers: MedGen C0410180, MONDO:0100100, OMIM 602771.

Allele frequency attached by ClinVar (database versions not stated): gnomAD 0.00001; TOPMed 0.00002; ExAC 0.00007.

Submissions (3):

Mayo Clinic Laboratories, Mayo Clinic
Classification: Likely benign. Last evaluated: 2025-02-16. Review status: criteria provided, single submitter. Criteria: ACMG Guidelines, 2015. Collection method: clinical testing. Allele origin: germline. Observed: 1 variant allele.
Comment: BP4, BP7

Labcorp Genetics (formerly Invitae), Labcorp
Classification: Likely benign for Eichsfeld type congenital muscular dystrophy. Last evaluated: 2024-11-11. Review status: criteria provided, single submitter. Criteria: Invitae Variant Classification Sherloc (09022015). Collection method: clinical testing. Allele origin: germline.

Blueprint Genetics
Classification: Likely benign. Last evaluated: 2024-09-10. Review status: criteria provided, single submitter. Criteria: ACMG Guidelines, 2015. Collection method: clinical testing. Allele origin: germline.

NM_206926.2(SELENON):c.801G>A (p.Pro267=)

Gene: SELENON (selenoprotein N; plus strand). Cytogenetic location: 1p36.11.
Variant type: single nucleotide variant.
Coding change: c.801G>A on transcript NM_206926.2 (MANE Select); coding-DNA position 801, G replaced by A.
Protein change: p.Pro267=; no amino-acid change (proline 267 retained).
Molecular consequence: synonymous variant.
Genome position (GRCh38, 1-based): chr1:25,809,713, G>A. VCF-style: chr1-25809713-G-A. GRCh37 (hg19) VCF-style: chr1-26136204-G-A.
Other names: p.Pro301=; c.903G>A, p.Pro301= (NM_020451.3).
Identifiers: ClinVar variation 1619461 (VCV001619461.10), dbSNP rs752634748, ClinGen allele CA696681.
Genomic context (GRCh38, chr1:25,809,713, plus strand): 5'-CTCTGGTGCAGCAGATCCCCTTCCCCACAGGATCCATGCCGAGTTCCAGCTCAGTGAGCC[G>A]CCCGACTTCCCCTTTTGGTTCTCCCCTGCTCAGTTCACCGGCCACATCATCCTCTCCAAA-3'
Protein context (NP_996809.1, residues 257-277): RIHAEFQLSE[Pro267=]PDFPFWFSPA